The following is an entry in ClinVar:

NM_152703.5(SAMD9L):c.2525C>T (p.Ser842Phe)

Gene: SAMD9L (sterile alpha motif domain containing 9 like; minus strand). Cytogenetic location: 7q21.2.
Variant type: single nucleotide variant.
Coding change: c.2525C>T on transcript NM_152703.5 (MANE Select); coding-DNA position 2525, C replaced by T.
Protein change: p.Ser842Phe; replaces serine 842 with phenylalanine.
Molecular consequence: missense variant.
Genome position (GRCh38, 1-based): chr7:93,133,447, G>A on the plus strand (C>T on the coding strand, the complement: SAMD9L is on the minus strand). VCF-style: chr7-93133447-G-A. GRCh37 (hg19) VCF-style: chr7-92762760-G-A.
Other names: c.2525C>T, p.Ser842Phe (NM_001303496.3, NM_001303497.3, NM_001303498.3 and 5 more transcripts); short protein forms S842F.
Identifiers: ClinVar variation 3253455 (VCV003253455.1), dbSNP rs1364384359.

ClinVar aggregate classification (germline): Uncertain significance (1 of 4 stars; one submission).

Allele frequency attached by ClinVar (database versions not stated): TOPMed below 0.00001.
gnomAD v4.1: 1 of 1,613,034 alleles (0.000062%); highest among the groups gnomAD compares: Non-Finnish European, 0.000085%; no homozygotes.

Submission:

GeneDx
Classification: Uncertain significance. Last evaluated: 2023-11-03. Review status: criteria provided, single submitter. Criteria: GeneDx Variant Classification Process June 2021. Collection method: clinical testing. Allele origin: germline. Affected: yes.
Comment: Not observed at significant frequency in large population cohorts (gnomAD); In silico analysis supports that this missense variant has a deleterious effect on protein structure/function; Has not been previously published as pathogenic or benign to our knowledge; This variant is associated with the following publications: (PMID: 28545555)